The following is an entry in ClinVar:

NM_004863.3(SPTLC2):c.-427G>A

Genes: SPTLC2 (serine palmitoyltransferase long chain base subunit 2; minus strand), LOC130056188 (ATAC-STARR-seq lymphoblastoid silent region 5978; plus strand). Cytogenetic location: 14q24.3.
Variant type: single nucleotide variant.
Coding change: c.-427G>A on transcript NM_004863.3; 427 bases upstream of the start codon, G replaced by A.
Genome position (GRCh38, 1-based): chr14:77,617,006, C>T on the plus strand (G>A on the coding strand, the complement: SPTLC2 is on the minus strand). VCF-style: chr14-77617006-C-T. GRCh37 (hg19) VCF-style: chr14-78083349-C-T.
Identifiers: ClinVar variation 667522 (VCV000667522.3), dbSNP rs7155602, ClinGen allele CA14009125.

ClinVar aggregate classification (germline): Benign (1 of 4 stars; one submission).

Allele frequency attached by ClinVar (database versions not stated): gnomAD 0.26874 and 0.27200; 1000 Genomes Project 30x 0.26874; 1000 Genomes Project 0.26877; TOPMed 0.27509.

Submission:

GeneDx
Classification: Benign. Last evaluated: 2018-06-14. Review status: criteria provided, single submitter. Criteria: GeneDx Variant Classification (06012015). Collection method: clinical testing. Allele origin: germline. Affected: yes.
Comment: This variant is considered likely benign or benign based on one or more of the following criteria: it is a conservative change, it occurs at a poorly conserved position in the protein, it is predicted to be benign by multiple in silico algorithms, and/or has population frequency not consistent with disease.